The following is an entry in ClinVar:

ClinVar aggregate classification (germline): Uncertain significance (1 of 4 stars; one submission).

Submission:

Labcorp Genetics (formerly Invitae), Labcorp
Classification: Uncertain significance. Last evaluated: 2025-07-27. Review status: criteria provided, single submitter. Criteria: Invitae Variant Classification Sherloc (09022015). Collection method: clinical testing. Allele origin: germline.
Comment: This sequence change replaces valine, which is neutral and non-polar, with isoleucine, which is neutral and non-polar, at codon 1721 of the CACNA1E protein (p.Val1721Ile). This variant is not present in population databases (gnomAD no frequency). This variant has not been reported in the literature in individuals affected with CACNA1E-related conditions. ClinVar contains an entry for this variant (Variation ID: 2781905). Invitae Evidence Modeling of protein sequence and biophysical properties (such as structural, functional, and spatial information, amino acid conservation, physicochemical variation, residue mobility, and thermodynamic stability) has been performed for this missense variant. However, the output from this modeling did not meet the statistical confidence thresholds required to predict the impact of this variant on CACNA1E protein function. In summary, the available evidence is currently insufficient to determine the role of this variant in disease. Therefore, it has been classified as a Variant of Uncertain Significance.

NM_001205293.3(CACNA1E):c.5161G>A (p.Val1721Ile)

Gene: CACNA1E (calcium voltage-gated channel subunit alpha1 E; plus strand). Cytogenetic location: 1q25.3.
Variant type: single nucleotide variant.
Coding change: c.5161G>A on transcript NM_001205293.3 (MANE Select); coding-DNA position 5161, G replaced by A.
Protein change: p.Val1721Ile; replaces valine 1721 with isoleucine.
Molecular consequence: missense variant.
Genome position (GRCh38, 1-based): chr1:181,776,122, G>A. VCF-style: chr1-181776122-G-A. GRCh37 (hg19) VCF-style: chr1-181745258-G-A.
Other names: c.5161G>A, p.Val1721Ile (NM_000721.4); c.5104G>A, p.Val1702Ile (NM_001205294.2); short protein forms V1702I, V1721I.
Identifiers: ClinVar variation 2781905 (VCV002781905.3), dbSNP rs1659953433, ClinGen allele CA343628974.
Genomic context (GRCh38, chr1:181,776,122, plus strand): 5'-AGGTTTCCCCTAACCCCTCTTCTTCCCCTTGCCCTTCAGATGCTCAACCTGTTTGTGGCC[G>A]TCATCATGGACAACTTTGAGTACCTGACTCGGGACTCCTCCATCCTGGGGCCTCACCACT-3'
Protein context (NP_001192222.1, residues 1711-1731): SFLMLNLFVA[Val1721Ile]IMDNFEYLTR